The following is an entry in ClinVar:

ClinVar aggregate classification (germline): Conflicting classifications of pathogenicity. Review status: criteria provided, conflicting classifications (1 of 4 stars). 3 submissions from 3 submitters: Uncertain significance (2); Likely benign (1). Last evaluated 2022-11-28.

Conditions:
Microcephaly 2, primary, autosomal recessive, with or without cortical malformations. Also called: MICROCEPHALY 2, PRIMARY, AUTOSOMAL RECESSIVE, WITH CORTICAL MALFORMATIONS; WDR62 Primary Microcephaly. Identifiers: Orphanet 2512, MedGen C1858535, MONDO:0011435, OMIM 604317.

Allele frequency attached by ClinVar (database versions not stated): gnomAD 0.00003 and 0.00004; TOPMed 0.00004; ExAC 0.00007; gnomAD exomes 0.00010.
gnomAD v4.1: 32 of 1,613,876 alleles (0.002%); highest among the groups gnomAD compares: Admixed American, 0.053%; no homozygotes.

Submissions (3):

Labcorp Genetics (formerly Invitae), Labcorp
Classification: Likely benign. Last evaluated: 2022-11-28. Review status: criteria provided, single submitter. Criteria: Invitae Variant Classification Sherloc (09022015). Collection method: clinical testing. Allele origin: germline.

GeneDx
Classification: Uncertain significance. Last evaluated: 2021-05-19. Review status: criteria provided, single submitter. Criteria: GeneDx Variant Classification Process June 2021. Collection method: clinical testing. Allele origin: germline. Affected: yes.
Comment: In silico analysis supports that this missense variant does not alter protein structure/function; Has not been previously published as pathogenic or benign to our knowledge

Baylor Genetics
Classification: Uncertain significance for Microcephaly 2, primary, autosomal recessive, with or without cortical malformations. Last evaluated: 2020-06-26. Review status: criteria provided, single submitter. Criteria: ACMG Guidelines, 2015. Collection method: clinical testing. Allele origin: maternal. Affected: yes.
Comment: This variant was determined to be of uncertain significance according to ACMG Guidelines, 2015 [PMID:25741868].

NM_001083961.2(WDR62):c.3733C>A (p.Leu1245Met)

Gene: WDR62 (WD repeat domain 62; plus strand). Cytogenetic location: 19q13.12.
Variant type: single nucleotide variant.
Coding change: c.3733C>A on transcript NM_001083961.2 (MANE Select); coding-DNA position 3733, C replaced by A.
Protein change: p.Leu1245Met; replaces leucine 1245 with methionine.
Molecular consequence: missense variant.
Genome position (GRCh38, 1-based): chr19:36,103,561, C>A. VCF-style: chr19-36103561-C-A. GRCh37 (hg19) VCF-style: chr19-36594463-C-A.
Other names: c.3718C>A, p.Leu1240Met (NM_173636.5); short protein forms L1245M, L1240M.
Identifiers: ClinVar variation 426893 (VCV000426893.7), dbSNP rs763947043, ClinGen allele CA9396374.